The following is an entry in ClinVar:

ClinVar aggregate classification (germline): Pathogenic. Review status: criteria provided, multiple submitters, no conflicts (2 of 4 stars). 4 submissions from 4 submitters: Pathogenic (2). 2 of the submissions do not count toward it. Last evaluated 2023-05-19.

Conditions:
Retinitis pigmentosa 55 (RP55). Identifiers: Orphanet 791, MedGen C3150808, MONDO:0013312, OMIM 613575.
ARL6-related disorder. Also called: ARL6-related condition.
Bardet-Biedl syndrome 3 (BBS3). Identifiers: Orphanet 110, MedGen C1859564, MONDO:0010832, OMIM 600151.

Submissions (4):

Blueprint Genetics
Classification: Pathogenic for ARL6-related disorders. Last evaluated: 2023-05-19. Review status: criteria provided, single submitter. Criteria: ACMG Guidelines, 2015. Collection method: clinical testing. Allele origin: germline. Affected: yes. Observed: 1 variant allele.

Labcorp Genetics (formerly Invitae), Labcorp
Classification: Pathogenic for Retinitis pigmentosa 55; Bardet-Biedl syndrome 3. Last evaluated: 2022-08-03. Review status: criteria provided, single submitter. Criteria: Invitae Variant Classification Sherloc (09022015). Collection method: clinical testing. Allele origin: germline.
Comment: This sequence change creates a premature translational stop signal (p.Ile125Asnfs*7) in the ARL6 gene. It is expected to result in an absent or disrupted protein product. Loss-of-function variants in ARL6 are known to be pathogenic (PMID: 15258860, 19858128, 20142850, 22334370, 27486776, 31736247). For these reasons, this variant has been classified as Pathogenic. ClinVar contains an entry for this variant (Variation ID: 977510). This premature translational stop signal has been observed in individual(s) with retinitis pigmentosa (PMID: 31736247). This variant is not present in population databases (gnomAD no frequency).

PreventionGenetics, part of Exact Sciences
Classification: Pathogenic for ARL6-related condition. Last evaluated: 2023-10-27. Review status: no assertion criteria provided. Collection method: clinical testing. Allele origin: germline. Not counted in ClinVar's aggregate classification.
Comment: The ARL6 c.373dupA variant is predicted to result in a frameshift and premature protein termination (p.Ile125Asnfs*7). This variant was reported in the homozygous state in an individual from a retinal dystrophy cohort (Zenteno et al. 2020. PubMed ID: 31736247). This variant has not been reported in a large population database, indicating this variant is rare. Frameshift variants in ARL6 are expected to be pathogenic. This variant is interpreted as pathogenic.

OMIM
Classification: Pathogenic for RETINITIS PIGMENTOSA 55. Last evaluated: 2023-09-12. Review status: no assertion criteria provided. Collection method: literature only. Allele origin: germline. Not counted in ClinVar's aggregate classification.

Literature cited by the submitters: PubMed 15258860 (cited by Labcorp Genetics (formerly Invitae), Labcorp); PubMed 19858128 (cited by Labcorp Genetics (formerly Invitae), Labcorp); PubMed 20142850 (cited by Labcorp Genetics (formerly Invitae), Labcorp); PubMed 22334370 (cited by Labcorp Genetics (formerly Invitae), Labcorp); PubMed 27486776 (cited by Labcorp Genetics (formerly Invitae), Labcorp); PubMed 31736247 (cited by Labcorp Genetics (formerly Invitae), Labcorp); Zenteno, J. C., Garcia-Montano, L. A., Cruz-Aguilar, M., Ronquillo, J., Rodas-Serrano, A., Aguilar-Castul, L., Matsui, R., Vencedor-Meraz, C. I., Arce-Gonzalez, R., Graue-Wiechers, F., Gutierrez-Paz, M., Urrea-Victoria, T., de Dios Cuadras, U., Chacon-Camacho, O. F. Extensive genic and allelic heterogeneity underlying inherited retinal dystrophies in Mexican patients molecularly analyzed by next-generation sequencing. Molec. Genet. Genomic Med. 8: e1044, 2020. Note: Electronic Article. (cited by OMIM).

NM_001278293.3(ARL6):c.373dup (p.Ile125fs)

Gene: ARL6 (ARF like GTPase 6; plus strand). Cytogenetic location: 3q11.2.
Variant type: Duplication.
Coding change: c.373dup on transcript NM_001278293.3 (MANE Select); coding-DNA position 373, one base duplicated (A; older notation c.373dupA).
Protein change: p.Ile125fs; shifts the reading frame from isoleucine 125.
Molecular consequence: frameshift variant. On other transcripts: non-coding transcript variant (7).
Genome position (GRCh38, 1-based): chr3:97,788,013, A duplicated; the last of 2 consecutive A bases (chr3:97,788,012-97,788,013); duplicating either gives the same sequence. VCF-style (leftmost placement, unchanged base first): chr3-97788011-C-CA. GRCh37 (hg19) VCF-style: chr3-97506855-C-CA.
Other names: c.373dup, p.Ile125fs (NM_001323513.2, NM_001323514.2, NM_032146.5 and 1 more transcripts); c.373dupA (NM_032146.5); short protein forms I125fs.
Identifiers: ClinVar variation 977510 (VCV000977510.12), dbSNP rs2037541934, ClinGen allele CA1139658207.